The following is an entry in ClinVar:

ClinVar aggregate classification (germline): Likely pathogenic (1 of 4 stars; one submission).

Conditions:
Asphyxiating thoracic dystrophy 3. Also called: POLYDACTYLY WITH NEONATAL CHONDRODYSTROPHY, TYPE I; SHORT-RIB THORACIC DYSPLASIA 3/6 WITH POLYDACTYLY, DIGENIC; SHORT-RIB THORACIC DYSPLASIA 3 WITH OR WITHOUT POLYDACTYLY; Saldino-Noonan Syndrome; Short rib polydactyly syndrome 2B. Identifiers: Orphanet 474, Orphanet 93269, Orphanet 93270, Orphanet 93271, MedGen C0036069, MONDO:0013127, OMIM 613091.

Submission:

Juno Genomics, Hangzhou Juno Genomics, Inc
Classification: Likely pathogenic for Asphyxiating thoracic dystrophy 3. Review status: criteria provided, single submitter. Criteria: ACMG Guidelines, 2015. Collection method: clinical testing. Allele origin: germline.
Comment: Null variant in a gene where loss of function (LOF) is a known mechanism of disease.;Absent from controls (or at extremely low frequency if recessive) in Genome Aggregation Database.

NM_001377.3(DYNC2H1):c.10676dup (p.Cys3560fs)

Gene: DYNC2H1 (dynein cytoplasmic 2 heavy chain 1; plus strand). Cytogenetic location: 11q22.3.
Variant type: Duplication.
Coding change: c.10676dup on transcript NM_001377.3 (MANE Select); coding-DNA position 10676, one base duplicated (T; older notation c.10676dupT).
Protein change: p.Cys3560fs; shifts the reading frame from cysteine 3560.
Molecular consequence: frameshift variant.
Genome position (GRCh38, 1-based): chr11:103,259,958, T duplicated. VCF-style (leftmost placement, unchanged base first): chr11-103259957-A-AT. GRCh37 (hg19) VCF-style: chr11-103130686-A-AT.
Other names: c.10697dup, p.Cys3567fs (NM_001080463.2); short protein forms C3560fs, C3567fs.
Identifiers: ClinVar variation 5038020 (VCV005038020.2).